The following is an entry in ClinVar:

NM_000199.5(SGSH):c.664-1G>T

Gene: SGSH (N-sulfoglucosamine sulfohydrolase; minus strand). Cytogenetic location: 17q25.3.
Variant type: single nucleotide variant.
Coding change: c.664-1G>T on transcript NM_000199.5 (MANE Select); the canonical splice acceptor site of the intron before coding-DNA position 664, G replaced by T.
Molecular consequence: splice acceptor variant.
Genome position (GRCh38, 1-based): chr17:80,213,886, C>A on the plus strand (G>T on the coding strand, the complement: SGSH is on the minus strand). VCF-style: chr17-80213886-C-A. GRCh37 (hg19) VCF-style: chr17-78187685-C-A.
Other names: c.664-1G>T (NM_001352921.3, NM_001352922.2).
Identifiers: ClinVar variation 554868 (VCV000554868.5), dbSNP rs1555621425, ClinGen allele CA401361609.

ClinVar aggregate classification (germline): Likely pathogenic. Review status: criteria provided, single submitter (1 of 4 stars). 2 submissions from 2 submitters: Likely pathogenic (1). 1 of the submissions does not count toward it. Last evaluated 2023-04-18.

Conditions:
Mucopolysaccharidosis, MPS-III-A (MPS3A). Also called: SANFILIPPO SYNDROME A; SULFAMIDASE DEFICIENCY; MPS III A; MUCOPOLYSACCHARIDOSIS, TYPE IIIA, ATTENUATED; Mucopolysaccharidosis type IIIA (Sanfilippo A); MPS IIIA (Sanfilippo Syndrome Type A). Identifiers: Orphanet 581, Orphanet 79269, MedGen C0086647, MONDO:0009655, OMIM 252900.

Allele frequency attached by ClinVar (database versions not stated): gnomAD exomes below 0.00001.
gnomAD v4.1: 1 of 1,605,500 alleles (0.000062%); highest among the groups gnomAD compares: Non-Finnish European, 0.000085%; no homozygotes.

Submissions (2):

Labcorp Genetics (formerly Invitae), Labcorp
Classification: Likely pathogenic for Mucopolysaccharidosis, MPS-III-A. Last evaluated: 2023-04-18. Review status: criteria provided, single submitter. Criteria: Invitae Variant Classification Sherloc (09022015). Collection method: clinical testing. Allele origin: germline.
Comment: In summary, the currently available evidence indicates that the variant is pathogenic, but additional data are needed to prove that conclusively. Therefore, this variant has been classified as Likely Pathogenic. Algorithms developed to predict the effect of sequence changes on RNA splicing suggest that this variant may disrupt the consensus splice site. ClinVar contains an entry for this variant (Variation ID: 554868). This variant has not been reported in the literature in individuals affected with SGSH-related conditions. This variant is not present in population databases (gnomAD no frequency). This sequence change affects an acceptor splice site in intron 5 of the SGSH gene. It is expected to disrupt RNA splicing. Variants that disrupt the donor or acceptor splice site typically lead to a loss of protein function (PMID: 16199547), and loss-of-function variants in SGSH are known to be pathogenic (PMID: 11182930, 21204211, 22976768).

Counsyl
Classification: Likely pathogenic for Mucopolysaccharidosis, MPS-III-A. Last evaluated: 2017-11-08. Review status: no assertion criteria provided. Collection method: clinical testing. Allele origin: unknown. Not counted in ClinVar's aggregate classification.

Literature cited by the submitters: PubMed 16199547 (cited by Labcorp Genetics (formerly Invitae), Labcorp); PubMed 11182930 (cited by Labcorp Genetics (formerly Invitae), Labcorp); PubMed 21204211 (cited by Labcorp Genetics (formerly Invitae), Labcorp); PubMed 22976768 (cited by Labcorp Genetics (formerly Invitae), Labcorp).